The following is an entry in ClinVar:

ClinVar aggregate classification (germline): Pathogenic (1 of 4 stars; one submission).

Submission:

Labcorp Genetics (formerly Invitae), Labcorp
Classification: Pathogenic. Last evaluated: 2024-02-23. Review status: criteria provided, single submitter. Criteria: Invitae Variant Classification Sherloc (09022015). Collection method: clinical testing. Allele origin: germline.
Comment: This sequence change replaces phenylalanine, which is neutral and non-polar, with serine, which is neutral and polar, at codon 2314 of the PRPF8 protein (p.Phe2314Ser). This variant is not present in population databases (gnomAD no frequency). This missense change has been observed in individuals with retinitis pigmentosa (Invitae). It has also been observed to segregate with disease in related individuals. ClinVar contains an entry for this variant (Variation ID: 1001079). Advanced modeling of protein sequence and biophysical properties (such as structural, functional, and spatial information, amino acid conservation, physicochemical variation, residue mobility, and thermodynamic stability) performed at Invitae indicates that this missense variant is expected to disrupt PRPF8 protein function with a positive predictive value of 80%. This variant disrupts the p.Phe2314 amino acid residue in PRPF8. Other variant(s) that disrupt this residue have been determined to be pathogenic (PMID: 11468273, 31087526). This suggests that this residue is clinically significant, and that variants that disrupt this residue are likely to be disease-causing. For these reasons, this variant has been classified as Pathogenic.

Literature cited by the submitters: PubMed 11468273; PubMed 31087526.

NM_006445.4(PRPF8):c.6941T>C (p.Phe2314Ser)

Gene: PRPF8 (pre-mRNA processing factor 8; minus strand). Cytogenetic location: 17p13.3.
Variant type: single nucleotide variant.
Coding change: c.6941T>C on transcript NM_006445.4 (MANE Select); coding-DNA position 6941, T replaced by C.
Protein change: p.Phe2314Ser; replaces phenylalanine 2314 with serine.
Molecular consequence: missense variant.
Genome position (GRCh38, 1-based): chr17:1,650,869, A>G on the plus strand (T>C on the coding strand, the complement: PRPF8 is on the minus strand). VCF-style: chr17-1650869-A-G. GRCh37 (hg19) VCF-style: chr17-1554163-A-G.
Other names: short protein forms F2314S.
Identifiers: ClinVar variation 1001079 (VCV001001079.5), dbSNP rs1911000944, ClinGen allele CA397561946.